The following is an entry in ClinVar:

NM_020778.5(ALPK3):c.2498A>G (p.Asp833Gly)

Gene: ALPK3 (alpha kinase 3; plus strand). Cytogenetic location: 15q25.3.
Variant type: single nucleotide variant.
Coding change: c.2498A>G on transcript NM_020778.5 (MANE Select); coding-DNA position 2498, A replaced by G.
Protein change: p.Asp833Gly; replaces aspartic acid 833 with glycine.
Molecular consequence: missense variant.
Genome position (GRCh38, 1-based): chr15:84,857,236, A>G. VCF-style: chr15-84857236-A-G. GRCh37 (hg19) VCF-style: chr15-85400467-A-G.
Other names: short protein forms D833G.
Identifiers: ClinVar variation 1351554 (VCV001351554.13), dbSNP rs761421251, ClinGen allele CA7709427.
Genomic context (GRCh38, chr15:84,857,236, plus strand): 5'-TGGGAGGAGAGAGATGCCGAGGGCCACAGTCATCAGGCCCAGTCGAGGCCAAGCAGGAGG[A>G]CAGCCCGTTCCAGTGCCCCAAGGAGGAGCGGCCAGGGGGAGTGCCGTGTATGGATCAGGG-3'
Protein context (NP_065829.4, residues 823-843): SSGPVEAKQE[Asp833Gly]SPFQCPKEER

ClinVar aggregate classification (germline): Conflicting classifications of pathogenicity. Review status: criteria provided, conflicting classifications (1 of 4 stars). 4 submissions from 4 submitters: Uncertain significance (3); Likely benign (1). Last evaluated 2026-08-04.

Conditions:
ALPK3-related disorder. Also called: ALPK3-related condition.
Cardiovascular phenotype. Identifiers: MedGen CN230736.

Allele frequency attached by ClinVar (database versions not stated): ExAC 0.00003; gnomAD exomes 0.00003 and 0.00006.
gnomAD v4.1: 96 of 1,613,878 alleles (0.0059%); highest among the groups gnomAD compares: Non-Finnish European, 0.0078%; no homozygotes.

Submissions (4):

PreventionGenetics, part of Exact Sciences
Classification: Uncertain significance for ALPK3-related condition. Last evaluated: 2026-08-04. Review status: criteria provided, single submitter. Criteria: ACMG Guidelines, 2015. Collection method: clinical testing. Allele origin: germline.
Comment: The ALPK3 c.3104A>G variant is predicted to result in the amino acid substitution p.Asp1035Gly. To our knowledge, this variant has not been reported in the literature. This variant is reported in 0.0080% of alleles in individuals of African descent in gnomAD. At this time, the clinical significance of this variant is uncertain due to the absence of conclusive functional and genetic evidence.

Labcorp Genetics (formerly Invitae), Labcorp
Classification: Uncertain significance. Last evaluated: 2025-11-23. Review status: criteria provided, single submitter. Criteria: Invitae Variant Classification Sherloc (09022015). Collection method: clinical testing. Allele origin: germline.
Comment: This sequence change replaces aspartic acid, which is acidic and polar, with glycine, which is neutral and non-polar, at codon 1035 of the ALPK3 protein (p.Asp1035Gly). This variant is present in population databases (rs761421251, gnomAD 0.008%). This variant has not been reported in the literature in individuals affected with ALPK3-related conditions. ClinVar contains an entry for this variant (Variation ID: 1351554). Invitae Evidence Modeling of protein sequence and biophysical properties (such as structural, functional, and spatial information, amino acid conservation, physicochemical variation, residue mobility, and thermodynamic stability) indicates that this missense variant is not expected to disrupt ALPK3 protein function with a negative predictive value of 80%. In summary, the available evidence is currently insufficient to determine the role of this variant in disease. Therefore, it has been classified as a Variant of Uncertain Significance.

Ambry Genetics
Classification: Likely benign for Cardiovascular phenotype. Last evaluated: 2024-11-18. Review status: criteria provided, single submitter. Criteria: Ambry Variant Classification Scheme 2023. Collection method: clinical testing. Allele origin: germline.

Breakthrough Genomics
Classification: Uncertain significance. Review status: criteria provided, single submitter. Criteria: ACMG Guidelines, 2015. Collection method: not provided. Allele origin: germline. Inheritance: Autosomal recessive inheritance. Affected: yes.